The following is an entry in ClinVar:

NM_004817.4(TJP2):c.357C>T (p.Pro119=)

Gene: TJP2 (tight junction protein 2; plus strand). Cytogenetic location: 9q21.11.
Variant type: single nucleotide variant.
Coding change: c.357C>T on transcript NM_004817.4 (MANE Select); coding-DNA position 357, C replaced by T.
Protein change: p.Pro119=; no amino-acid change (proline 119 retained).
Molecular consequence: synonymous variant.
Genome position (GRCh38, 1-based): chr9:69,220,901, C>T. VCF-style: chr9-69220901-C-T. GRCh37 (hg19) VCF-style: chr9-71835817-C-T.
Other names: c.288C>T, p.Pro96= (NM_001170414.2, NM_001369870.1, NM_001369871.1); c.369C>T, p.Pro123= (NM_001170415.1, NM_001369874.1, NM_001369875.1); c.450C>T, p.Pro150= (NM_001170416.2); c.357C>T, p.Pro119= (NM_001369872.1, NM_001369873.1, NM_201629.3).
Identifiers: ClinVar variation 3032398 (VCV003032398.4), dbSNP rs753087955, ClinGen allele CA5072996.

ClinVar aggregate classification (germline): Likely benign. Review status: criteria provided, single submitter (1 of 4 stars). 2 submissions from 2 submitters: Likely benign (1). 1 of the submissions does not count toward it. Last evaluated 2024-07-12.

Conditions:
TJP2-related disorder. Also called: TJP2-related condition.

Allele frequency attached by ClinVar (database versions not stated): gnomAD 0.00001; TOPMed 0.00002; ExAC 0.00004; gnomAD exomes 0.00006.
gnomAD v4.1: 82 of 1,612,192 alleles (0.0051%); highest among the groups gnomAD compares: Non-Finnish European, 0.0069%; no homozygotes.

Submissions (2):

Labcorp Genetics (formerly Invitae), Labcorp
Classification: Likely benign. Last evaluated: 2024-07-12. Review status: criteria provided, single submitter. Criteria: Invitae Variant Classification Sherloc (09022015). Collection method: clinical testing. Allele origin: germline.

PreventionGenetics, part of Exact Sciences
Classification: Likely benign for TJP2-related condition. Last evaluated: 2022-05-04. Review status: no assertion criteria provided. Collection method: clinical testing. Allele origin: germline. Not counted in ClinVar's aggregate classification.
Comment: This variant is classified as likely benign based on ACMG/AMP sequence variant interpretation guidelines (Richards et al. 2015 PMID: 25741868, with internal and published modifications).